The following is an entry in ClinVar:

ClinVar aggregate classification (germline): Pathogenic/Likely pathogenic. Review status: criteria provided, multiple submitters, no conflicts (2 of 4 stars). 3 submissions from 3 submitters: Pathogenic (2); Likely pathogenic (1). Last evaluated 2022-03-15.

Conditions:
Neurofibromatosis, type 1 (NF1). Also called: Neurofibromatosis, type I; Peripheral type neurofibromatosis; VON RECKLINGHAUSEN DISEASE; NEUROFIBROMATOSIS, TYPE I, SOMATIC. Identifiers: Orphanet 636, MedGen C0027831, MONDO:0018975, OMIM 162200. Disease mechanism: loss of function.
Hereditary cancer-predisposing syndrome. Also called: Neoplastic Syndromes, Hereditary; Hereditary Cancer Syndrome; Hereditary neoplastic syndrome; Tumor predisposition. Identifiers: Orphanet 140162, MedGen C0027672, MeSH D009386, MONDO:0015356.
Cardiovascular phenotype. Identifiers: MedGen CN230736.

Submissions (3):

Genome-Nilou Lab
Classification: Pathogenic for Neurofibromatosis, type 1. Last evaluated: 2022-03-15. Review status: criteria provided, single submitter. Criteria: ACMG Guidelines, 2015. Collection method: clinical testing. Allele origin: germline. Affected: no.

Labcorp Genetics (formerly Invitae), Labcorp
Classification: Pathogenic for Neurofibromatosis, type 1. Last evaluated: 2021-09-09. Review status: criteria provided, single submitter. Criteria: Invitae Variant Classification Sherloc (09022015). Collection method: clinical testing. Allele origin: germline.
Comment: Disruption of this splice site has been observed in individuals with clinical features of neurofibromatosis type 1 (PMID: 19449407; Invitae). ClinVar contains an entry for this variant (Variation ID: 825080). Algorithms developed to predict the effect of sequence changes on RNA splicing suggest that this variant may disrupt the consensus splice site. For these reasons, this variant has been classified as Pathogenic. This variant is not present in population databases (ExAC no frequency). This sequence change affects a donor splice site in intron 34 of the NF1 gene. It is expected to disrupt RNA splicing. Variants that disrupt the donor or acceptor splice site typically lead to a loss of protein function (PMID: 16199547), and loss-of-function variants in NF1 are known to be pathogenic (PMID: 10712197, 23913538).

Ambry Genetics
Classification: Likely pathogenic for Cardiovascular phenotype; Hereditary cancer-predisposing syndrome. Last evaluated: 2018-01-09. Review status: criteria provided, single submitter. Criteria: Ambry Variant Classification Scheme 2023. Collection method: clinical testing. Allele origin: germline.
Comment: The c.4661+2T>G intronic variant results from a T to G substitution two nucleotides after coding exon 34 in the NF1 gene. This nucleotide position is highly conserved in available vertebrate species. The BDGP splice site prediction tool predicts that this alteration will abolish the native splice donor site. Using the Human Splicing Finder (HSF) splice site prediction tool, this alteration is predicted to significantly weaken the native splice donor site; however, direct evidence is unavailable (Desmet FO et al. Nucleic Acids Res. 2009 May;37:e67). Alterations that disrupt the canonical splice site are expected to cause aberrant splicing, resulting in an abnormal protein or a transcript that is subject to nonsense-mediated mRNA decay. As such, this alteration is classified as likely pathogenic.

Literature cited by the submitters: PubMed 19449407 (cited by Labcorp Genetics (formerly Invitae), Labcorp); PubMed 16199547 (cited by Labcorp Genetics (formerly Invitae), Labcorp); PubMed 10712197 (cited by Labcorp Genetics (formerly Invitae), Labcorp); PubMed 23913538 (cited by Labcorp Genetics (formerly Invitae), Labcorp).

NM_001042492.3(NF1):c.4724+2T>G

Gene: NF1 (neurofibromin 1; plus strand). Cytogenetic location: 17q11.2.
Variant type: single nucleotide variant.
Coding change: c.4724+2T>G on transcript NM_001042492.3 (MANE Select); the canonical splice donor site of the intron after coding-DNA position 4724, T replaced by G.
Molecular consequence: splice donor variant.
Genome position (GRCh38, 1-based): chr17:31,261,859, T>G. VCF-style: chr17-31261859-T-G. GRCh37 (hg19) VCF-style: chr17-29588877-T-G.
Other names: c.4661+2T>G (NM_000267.4).
Identifiers: ClinVar variation 825080 (VCV000825080.11), dbSNP rs1597748995, ClinGen allele CA399000695.
Genomic context (GRCh38, chr17:31,261,859, plus strand): 5'-GATACACACTGGTCCAGCCTTAACCTTACCAGTTCAAAGTTTGAGGAATTTATGACTAGG[T>G]AAAGTACAACCTTGAAATAGTTGATTGCTTTCTTTTTGGTTGAGAAGGAGAGTTTGCCAC-3'